The following is an entry in ClinVar:

NC_000023.10:g.(?_85133986)_(85163188_?)del

Gene: CHM (CHM Rab escort protein; minus strand). Cytogenetic location: Xq21.2.
Variant type: Deletion.
Identifiers: ClinVar variation 3245901 (VCV003245901.1).

ClinVar aggregate classification (germline): Pathogenic (1 of 4 stars; one submission).

Submission:

Labcorp Genetics (formerly Invitae), Labcorp
Classification: Pathogenic. Last evaluated: 2022-12-21. Review status: criteria provided, single submitter. Criteria: Invitae Variant Classification Sherloc (09022015). Collection method: clinical testing. Allele origin: unknown.
Comment: For these reasons, this variant has been classified as Pathogenic. This variant disrupts a region of the CHM protein in which other variant(s) (p.His507Arg) have been determined to be pathogenic (PMID: 21905166, 23811034). This suggests that this is a clinically significant region of the protein, and that variants that disrupt it are likely to be disease-causing. This variant has not been reported in the literature in individuals affected with CHM-related conditions. This variant results in the deletion of exons 10-12 and part of exon 13 (c.1244+3078_1593delinsCA) of the CHM gene. This variant would be expected to be in-frame, preserving the integrity of the reading frame.

Literature cited by the submitters: PubMed 21905166; PubMed 23811034.